The following is an entry in ClinVar:

NM_013280.5(FLRT1):c.1029G>A (p.Val343=)

Genes: FLRT1 (fibronectin leucine rich transmembrane protein 1; plus strand), MACROD1 (mono-ADP ribosylhydrolase 1; minus strand). Cytogenetic location: 11q13.1.
Variant type: single nucleotide variant.
Coding change: c.1029G>A on transcript NM_013280.5 (MANE Select); coding-DNA position 1029, G replaced by A.
Protein change: p.Val343=; no amino-acid change (valine 343 retained).
Molecular consequence: synonymous variant. On other transcripts: intron variant (2).
Genome position (GRCh38, 1-based): chr11:64,117,296, G>A. VCF-style: chr11-64117296-G-A. GRCh37 (hg19) VCF-style: chr11-63884768-G-A.
Other names: c.1029G>A, p.Val343= (NM_001384466.1); c.945G>A, p.Val315= (NM_001423967.1); c.517+33943C>T (NM_001411019.1, NM_014067.4).
Identifiers: ClinVar variation 2641907 (VCV002641907.24), dbSNP rs751115779, ClinGen allele CA6067595.
Genomic context (GRCh38, chr11:64,117,296, plus strand): 5'-GCTGCTCAGGAACAACCCTTGGTTTTGTGGCTGCAACCTCATGTGGCTGCGGGACTGGGT[G>A]AAGGCACGGGCGGCCGTGGTCAACGTGCGGGGCCTCATGTGCCAGGGCCCTGAGAAGGTC-3'
Protein context (NP_037412.2, residues 333-353): GCNLMWLRDW[Val343=]KARAAVVNVR

ClinVar aggregate classification (germline): Likely benign (1 of 4 stars; one submission).

Allele frequency attached by ClinVar (database versions not stated): TOPMed 0.00002; gnomAD 0.00007; gnomAD exomes 0.00025; ExAC 0.00056.
gnomAD v4.1: 380 of 1,614,170 alleles (0.024%); highest among the groups gnomAD compares: South Asian, 0.4%; 1 homozygote.

Submission:

CeGaT Center for Human Genetics Tuebingen
Classification: Likely benign. Last evaluated: 2022-06-01. Review status: criteria provided, single submitter. Criteria: CeGaT Center For Human Genetics Tuebingen Variant Classification Criteria Version 2. Collection method: clinical testing. Allele origin: germline. Affected: yes. Observed: 1 variant allele.
Comment: FLRT1: BP4, BP7